The following is an entry in ClinVar:

ClinVar aggregate classification (germline): Uncertain significance. Review status: criteria provided, multiple submitters, no conflicts (2 of 4 stars). 3 submissions from 3 submitters: Uncertain significance (3). Last evaluated 2025-11-03.

Conditions:
Inborn genetic diseases. Identifiers: MedGen C0950123, MeSH D030342.
RYR1-related disorder. Also called: RYR1-related disorders; RYR1-related condition. Identifiers: MedGen CN239331.
Malignant hyperthermia, susceptibility to, 1 (MHS1). Also called: Anesthesia related hyperthermia; Malignant hyperpyrexia; Fulminating hyperpyrexia; Pharmacogenic myopathy; RYR1-Related Malignant Hyperthermia Susceptibility; Malignant hyperthermia suceptibility 1. Identifiers: Orphanet 423, MedGen C2930980, MONDO:0007783, OMIM 145600.

Allele frequency attached by ClinVar (database versions not stated): gnomAD exomes below 0.00001; TOPMed below 0.00001.
gnomAD v4.1: 1 of 1,612,706 alleles (0.000062%); highest among the groups gnomAD compares: Non-Finnish European, 0.000085%; no homozygotes.

Submissions (3):

Labcorp Genetics (formerly Invitae), Labcorp
Classification: Uncertain significance for RYR1-related disorder. Last evaluated: 2025-11-03. Review status: criteria provided, single submitter. Criteria: Invitae Variant Classification Sherloc (09022015). Collection method: clinical testing. Allele origin: germline.
Comment: This sequence change replaces glutamine, which is neutral and polar, with glutamic acid, which is acidic and polar, at codon 4004 of the RYR1 protein (p.Gln4004Glu). This variant is not present in population databases (gnomAD no frequency). This variant has not been reported in the literature in individuals affected with RYR1-related conditions. ClinVar contains an entry for this variant (Variation ID: 1417444). An algorithm developed to predict the effect of missense changes on protein structure and function (PolyPhen-2) suggests that this variant is likely to be tolerated. Algorithms developed to predict the effect of sequence changes on RNA splicing suggest that this variant may disrupt the consensus splice site. In summary, the available evidence is currently insufficient to determine the role of this variant in disease. Therefore, it has been classified as a Variant of Uncertain Significance.

Ambry Genetics
Classification: Uncertain significance for Inborn genetic diseases. Last evaluated: 2025-09-25. Review status: criteria provided, single submitter. Criteria: Ambry Variant Classification Scheme 2023. Collection method: clinical testing. Allele origin: germline.

All of Us Research Program, National Institutes of Health
Classification: Uncertain significance for Malignant hyperthermia, susceptibility to, 1. Last evaluated: 2024-02-22. Review status: criteria provided, single submitter. Criteria: ACMG Guidelines, 2015. Collection method: clinical testing. Allele origin: germline. Inheritance: Autosomal dominant inheritance. Observed: 1 variant allele, 1 heterozygote.
Comment: This missense variant replaces glutamine with glutamic acid at codon 4004 of the RYR1 protein. Computational prediction suggests that this variant may not impact protein structure and function (internally defined REVEL score threshold <= 0.5, PMID: 27666373). To our knowledge, functional studies have not been reported for this variant. This variant has not been reported in individuals affected with RYR1-related disorders in the literature. This variant has not been identified in the general population by the Genome Aggregation Database (gnomAD). The available evidence is insufficient to determine the role of this variant in disease conclusively. Therefore, this variant is classified as a Variant of Uncertain Significance.

This study involves interpretation of variants in research participants for the purpose of population health screening. Participant phenotype was not available at the time of variant classification. Additional details can be found in publication PMID: 35346344, PMCID: PMC8962531

NM_000540.3(RYR1):c.12010C>G (p.Gln4004Glu)

Gene: RYR1 (ryanodine receptor 1; plus strand). Cytogenetic location: 19q13.2.
Variant type: single nucleotide variant.
Coding change: c.12010C>G on transcript NM_000540.3 (MANE Select); coding-DNA position 12010, C replaced by G.
Protein change: p.Gln4004Glu; replaces glutamine 4004 with glutamic acid.
Molecular consequence: missense variant.
Genome position (GRCh38, 1-based): chr19:38,543,873, C>G. VCF-style: chr19-38543873-C-G. GRCh37 (hg19) VCF-style: chr19-39034513-C-G.
Other names: c.12010C>G (NM_000540.2); c.11995C>G, p.Gln3999Glu (NM_001042723.2); short protein forms Q3999E, Q4004E.
Identifiers: ClinVar variation 1417444 (VCV001417444.6), dbSNP rs1972311901, ClinGen allele CA405663056.
Genomic context (GRCh38, chr19:38,543,873, plus strand): 5'-CTATGGGACGCAGTGGTGGGATTCCTGCACGTGTTCGCCCACATGATGATGAAGCTCGCT[C>G]AGGTTCGAGCCCCTCTGGTCTCCATCCACCTGCTTCCGGGCGTCCCCCAAGTGGTCCATT-3'
Protein context (NP_000531.2, residues 3994-4014): VFAHMMMKLA[Gln4004Glu]DSSQIELLKE